The following is an entry in ClinVar:

ClinVar aggregate classification (germline): Likely pathogenic (1 of 4 stars; one submission).

Conditions:
Mucolipidosis type IV (ML4). Also called: ML IV. Identifiers: Orphanet 578, MedGen C0238286, MONDO:0009653, OMIM 252650.

Submission:

Juno Genomics, Hangzhou Juno Genomics, Inc
Classification: Likely pathogenic for Mucolipidosis type IV. Review status: criteria provided, single submitter. Criteria: ACMG Guidelines, 2015. Collection method: clinical testing. Allele origin: germline.
Comment: Null variant in a gene where loss of function (LOF) is a known mechanism of disease.;Absent from controls (or at extremely low frequency if recessive) in Genome Aggregation Database.

NM_020533.3(MCOLN1):c.718_719del (p.Thr239_Ile240insTer)

Gene: MCOLN1 (mucolipin TRP cation channel 1; plus strand). Cytogenetic location: 19p13.2.
Variant type: Deletion.
Coding change: c.718_719del on transcript NM_020533.3 (MANE Select); coding-DNA positions 718 to 719, 2 bases deleted (AT; older notation c.718_719delAT).
Protein change: p.Thr239_Ile240insTer.
Molecular consequence: nonsense.
Genome position (GRCh38, 1-based): chr19:7,527,901-7,527,902, AT deleted. VCF-style (leftmost placement, unchanged base first): chr19-7527900-CAT-C. GRCh37 (hg19) VCF-style: chr19-7592786-CAT-C.
Identifiers: ClinVar variation 5006045 (VCV005006045.2).